The following is an entry in ClinVar:

ClinVar aggregate classification (germline): Likely benign. Review status: criteria provided, multiple submitters, no conflicts (2 of 4 stars). 3 submissions from 3 submitters: Likely benign (3). Last evaluated 2025-12-01.

Conditions:
Loeys-Dietz syndrome 2 (LDS2). Also called: TGFBR2-Related Loeys-Dietz Syndrome; Marfan Syndrome type 2; Marfan like connective tissue disorder; MFS 2; Marfan syndrome, type 2 (formerly); AORTIC ANEURYSM, FAMILIAL THORACIC 3. Identifiers: Orphanet 284973, Orphanet 558, MedGen C2674574, MONDO:0012427, OMIM 610168.

Allele frequency attached by ClinVar (database versions not stated): gnomAD exomes 0.00013; ExAC 0.00017; gnomAD 0.00038; ESP Exome Variant Server 0.00046; TOPMed 0.00052.
gnomAD v4.1: 155 of 1,614,144 alleles (0.0096%); highest among the groups gnomAD compares: African/African-American, 0.19%; 1 homozygote.

Submissions (3):

Labcorp Genetics (formerly Invitae), Labcorp
Classification: Likely benign for Loeys-Dietz syndrome 2. Last evaluated: 2025-12-01. Review status: criteria provided, single submitter. Criteria: Invitae Variant Classification Sherloc (09022015). Collection method: clinical testing. Allele origin: germline.

GeneDx
Classification: Likely benign. Last evaluated: 2019-10-09. Review status: criteria provided, single submitter. Criteria: GeneDx Variant Classification Process June 2021. Collection method: clinical testing. Allele origin: germline. Affected: yes.
Comment: This variant is associated with the following publications: (PMID: 23861362)

Biesecker Lab/Clinical Genomics Section, National Institutes of Health
Classification: Likely benign. Last evaluated: 2013-06-24. Review status: criteria provided, single submitter. Criteria: Ng et al. (Circ Cardiovasc Genet. 2013). Collection method: research. Allele origin: unknown. Observed: 1 variant allele. Study: ClinSeq.
Comment: The study set was not selected for affection status in relation to any cancer. Pathogenicity categories were based on literature curation. See Pubmed ID:23861362 for details.

Medical sequencing

NM_001032283.3(TMPO):c.565+1750C>G

Gene: TMPO (thymopoietin; plus strand). Cytogenetic location: 12q23.1.
Variant type: single nucleotide variant.
Coding change: c.565+1750C>G on transcript NM_001032283.3 (MANE Select); 1750 bases into the intron after coding-DNA position 565, C replaced by G.
Molecular consequence: intron variant. On other transcripts: missense variant (1).
Genome position (GRCh38, 1-based): chr12:98,533,588, C>G. VCF-style: chr12-98533588-C-G. GRCh37 (hg19) VCF-style: chr12-98927366-C-G.
Other names: c.1331C>G, p.Ser444Cys (NM_003276.2); c.565+1750C>G (NM_001307975.2, NM_001032284.3); short protein forms S444C.
Identifiers: ClinVar variation 192134 (VCV000192134.14), dbSNP rs142981381, ClinGen allele CA238438.
Genomic context (GRCh38, chr12:98,533,588, plus strand): 5'-CTCCTCCAAGAAAAGTCCCTAGACTGAGTGAGAAGTCAGTGGAGGAAAGGGATTCAGGTT[C>G]CTTTGTGGCATTTCAGAACATACCTGGATCCGAACTGATGTCTTCTTTTGCCAAAACTGT-3'